The following is an entry in ClinVar:

NM_000784.4(CYP27A1):c.1161A>C (p.Lys387Asn)

Gene: CYP27A1 (cytochrome P450 family 27 subfamily A member 1; plus strand). Cytogenetic location: 2q35.
Variant type: single nucleotide variant.
Coding change: c.1161A>C on transcript NM_000784.4 (MANE Select); coding-DNA position 1161, A replaced by C.
Protein change: p.Lys387Asn; replaces lysine 387 with asparagine.
Molecular consequence: missense variant.
Genome position (GRCh38, 1-based): chr2:218,814,164, A>C. VCF-style: chr2-218814164-A-C. GRCh37 (hg19) VCF-style: chr2-219678887-A-C.
Other names: c.1161A>C (NM_000784.3); short protein forms K387N.
Identifiers: ClinVar variation 595581 (VCV000595581.6), dbSNP rs1559393286, ClinGen allele CA350592569.

ClinVar aggregate classification (germline): Uncertain significance. Review status: criteria provided, multiple submitters, no conflicts (2 of 4 stars). 2 submissions from 2 submitters: Uncertain significance (2). Last evaluated 2025-01-16.

Conditions:
Cardiovascular phenotype. Identifiers: MedGen CN230736.

gnomAD v4.1: 3 of 1,614,236 alleles (0.00019%); highest among the groups gnomAD compares: Non-Finnish European, 0.00025%; no homozygotes.

Submissions (2):

Ambry Genetics
Classification: Uncertain significance for Cardiovascular phenotype. Last evaluated: 2025-01-16. Review status: criteria provided, single submitter. Criteria: Ambry Variant Classification Scheme 2023. Collection method: clinical testing. Allele origin: germline.
Comment: The p.K387N variant (also known as c.1161A>C), located in coding exon 6 of the CYP27A1 gene, results from an A to C substitution at nucleotide position 1161. The lysine at codon 387 is replaced by asparagine, an amino acid with similar properties. This amino acid position is conserved. In addition, this alteration is predicted to be tolerated by in silico analysis. Based on the available evidence, the clinical significance of this variant remains unclear.

Eurofins Ntd Llc (ga)
Classification: Uncertain significance. Last evaluated: 2017-12-27. Review status: criteria provided, single submitter. Criteria: EGL Classification Definitions 2015. Collection method: clinical testing. Allele origin: germline. Observed: 1 variant allele, 1 heterozygote.